The following is an entry in ClinVar:

NM_001384125.1(BLTP1):c.1655-1G>A

Gene: BLTP1 (bridge-like lipid transfer protein family member 1; plus strand). Cytogenetic location: 4q27.
Variant type: single nucleotide variant.
Coding change: c.1655-1G>A on transcript NM_001384125.1 (MANE Select); the canonical splice acceptor site of the intron before coding-DNA position 1655, G replaced by A.
Molecular consequence: splice acceptor variant.
Genome position (GRCh38, 1-based): chr4:122,207,540, G>A. VCF-style: chr4-122207540-G-A. GRCh37 (hg19) VCF-style: chr4-123128695-G-A.
Other names: c.1655-1G>A (NM_015312.4).
Identifiers: ClinVar variation 4813751 (VCV004813751.1).

ClinVar aggregate classification (germline): Likely pathogenic (1 of 4 stars; one submission).

Conditions:
Alkuraya-Kucinskas syndrome. Identifiers: Orphanet 610569, MedGen C4693347, MONDO:0060631, OMIM 617822.

Submission:

Variantyx, Inc.
Classification: Likely pathogenic for Alkuraya-Kucinskas syndrome. Last evaluated: 2025-07-23. Review status: criteria provided, single submitter. Criteria: Variantyx Assertion Criteria 2022. Collection method: clinical testing. Allele origin: germline. Inheritance: Autosomal recessive inheritance. Affected: yes.
Comment: This is a canonical splicing variant in the BLTP1 gene (OMIM: 611565). Pathogenic variants in this gene have been associated with autosomal recessive Alkuraya-Kucinskas syndrome. Loss of function is a known disease mechanism for BLTP1 in this disorder (PMID: 29290337); however, the functional consequence of this splicing variant cannot be predicted with certainty (PVS1_Moderate). The clinical symptoms reported for this individual are highly specific for autosomal recessive Alkuraya-Kucinskas syndrome, which has a limited genetic etiology (PMID: 29290337) (PP4). This variant is absent from control populations (PM2) and has not been reported in individuals with KIAA1109-related disorders in the databases available for review. Based on the current evidence, this variant is classified as likely pathogenic for autosomal recessive Alkuraya-Kucinskas syndrome.

Literature cited by the submitters: PubMed 29290337.